The following is an entry in ClinVar:

NM_001204424.2(RGS6):c.697G>A (p.Val233Met)

Gene: RGS6 (regulator of G protein signaling 6; plus strand). Cytogenetic location: 14q24.2.
Variant type: single nucleotide variant.
Coding change: c.697G>A on transcript NM_001204424.2 (MANE Select); coding-DNA position 697, G replaced by A.
Protein change: p.Val233Met; replaces valine 233 with methionine.
Molecular consequence: missense variant. On other transcripts: non-coding transcript variant (1), intron variant (1).
Genome position (GRCh38, 1-based): chr14:72,476,745, G>A. VCF-style: chr14-72476745-G-A. GRCh37 (hg19) VCF-style: chr14-72943453-G-A.
Other names: c.697G>A, p.Val233Met (NM_001204416.3, NM_001204417.3, NM_001204418.3 and 27 more transcripts); c.592G>A, p.Val198Met (NM_001204423.2); c.694-1523G>A (NM_001370286.1); c.697G>A (NM_001204424.1); c.688G>A, p.Val230Met (NM_001370279.1); short protein forms V230M, V198M, V233M.
Identifiers: ClinVar variation 2957447 (VCV002957447.4), dbSNP rs141922821, ClinGen allele CA7253937.

ClinVar aggregate classification (germline): Uncertain significance. Review status: criteria provided, multiple submitters, no conflicts (2 of 4 stars). 2 submissions from 2 submitters: Uncertain significance (2). Last evaluated 2025-10-28.

Allele frequency attached by ClinVar (database versions not stated): 1000 Genomes Project 0.00040; 1000 Genomes Project 30x 0.00047.
gnomAD v4.1: 44 of 1,613,920 alleles (0.0027%); highest among the groups gnomAD compares: African/African-American, 0.029%; no homozygotes.

Submissions (2):

Ambry Genetics
Classification: Uncertain significance. Last evaluated: 2025-10-28. Review status: criteria provided, single submitter. Criteria: Ambry Variant Classification Scheme 2023. Collection method: clinical testing. Allele origin: germline.

Labcorp Genetics (formerly Invitae), Labcorp
Classification: Uncertain significance. Last evaluated: 2023-07-31. Review status: criteria provided, single submitter. Criteria: Invitae Variant Classification Sherloc (09022015). Collection method: clinical testing. Allele origin: germline.
Comment: This sequence change replaces valine, which is neutral and non-polar, with methionine, which is neutral and non-polar, at codon 233 of the RGS6 protein (p.Val233Met). This variant is present in population databases (rs141922821, gnomAD 0.03%). This variant has not been reported in the literature in individuals affected with RGS6-related conditions. An algorithm developed to predict the effect of missense changes on protein structure and function (PolyPhen-2) suggests that this variant is likely to be tolerated. In summary, the available evidence is currently insufficient to determine the role of this variant in disease. Therefore, it has been classified as a Variant of Uncertain Significance.